The following is an entry in ClinVar:

ClinVar aggregate classification (germline): Likely benign (1 of 4 stars; one submission).

Allele frequency attached by ClinVar (database versions not stated): gnomAD 0.02501 and 0.02705; TOPMed 0.02597; gnomAD exomes 0.02974; 1000 Genomes Project 30x 0.04731; 1000 Genomes Project 0.04912.

Submission:

GeneDx
Classification: Likely benign. Last evaluated: 2021-05-14. Review status: criteria provided, single submitter. Criteria: GeneDx Variant Classification Process June 2021. Collection method: clinical testing. Allele origin: germline. Affected: yes.
Comment: See Variant Classification Assertion Criteria.

NM_021728.4(OTX2):c.*340del

Gene: OTX2 (orthodenticle homeobox 2; minus strand). Cytogenetic location: 14q22.3.
Variant type: Deletion.
Coding change: c.*340del on transcript NM_021728.4 (MANE Select); 340 bases downstream of the stop codon, one base deleted (C; older notation c.*340delC).
Molecular consequence: 3 prime UTR variant. On other transcripts: non-coding transcript variant (2).
Genome position (GRCh38, 1-based): chr14:56,801,395, G deleted on the plus strand (C on the coding strand, the reverse complement: OTX2 is on the minus strand). VCF-style (leftmost placement, unchanged base first): chr14-56801394-TG-T. GRCh37 (hg19) VCF-style: chr14-57268112-TG-T.
Other names: c.*340del (NM_001270523.2, NM_001270524.2, NM_001270525.2 and 1 more transcripts).
Identifiers: ClinVar variation 313414 (VCV000313414.6), dbSNP rs3215889, ClinGen allele CA10644337.